The following is an entry in ClinVar:

ClinVar aggregate classification (germline): Conflicting classifications of pathogenicity. Review status: criteria provided, conflicting classifications (1 of 4 stars). 3 submissions from 3 submitters: Uncertain significance (2); Likely benign (1). Last evaluated 2025-10-06.

Conditions:
Autosomal recessive nonsyndromic hearing loss 9. Also called: AUDITORY NEUROPATHY, AUTOSOMAL RECESSIVE, 1, TEMPERATURE-SENSITIVE; OTOF-Related Hearing Loss; NEUROSENSORY NONSYNDROMIC RECESSIVE DEAFNESS 9; Deafness, autosomal recessive 9. Identifiers: Orphanet 90636, MedGen C1832828, MONDO:0010986, OMIM 601071.

Allele frequency attached by ClinVar (database versions not stated): gnomAD 0.00001; gnomAD exomes 0.00002 and 0.00004; TOPMed 0.00002; ExAC 0.00003.
gnomAD v4.1: 32 of 1,613,108 alleles (0.002%); highest among the groups gnomAD compares: Admixed American, 0.013%; no homozygotes.

Submissions (3):

GeneDx
Classification: Uncertain significance. Last evaluated: 2025-10-06. Review status: criteria provided, single submitter. Criteria: GeneDx Variant Classification Process June 2021. Collection method: clinical testing. Allele origin: germline. Affected: yes.
Comment: In silico analysis supports that this missense variant has a deleterious effect on protein structure/function; Has not been previously published as pathogenic or benign to our knowledge

Labcorp Genetics (formerly Invitae), Labcorp
Classification: Likely benign. Last evaluated: 2025-03-10. Review status: criteria provided, single submitter. Criteria: Invitae Variant Classification Sherloc (09022015). Collection method: clinical testing. Allele origin: germline.

Illumina Laboratory Services, Illumina
Classification: Uncertain significance for Autosomal recessive nonsyndromic hearing loss 9. Last evaluated: 2018-01-13. Review status: criteria provided, single submitter. Criteria: ICSL Variant Classification Criteria 13 December 2019. Collection method: clinical testing. Allele origin: germline.

NM_194248.3(OTOF):c.3220G>A (p.Glu1074Lys)

Gene: OTOF (otoferlin; minus strand). Cytogenetic location: 2p23.3.
Variant type: single nucleotide variant.
Coding change: c.3220G>A on transcript NM_194248.3 (MANE Select); coding-DNA position 3220, G replaced by A.
Protein change: p.Glu1074Lys; replaces glutamic acid 1074 with lysine.
Molecular consequence: missense variant.
Genome position (GRCh38, 1-based): chr2:26,474,581, C>T on the plus strand (G>A on the coding strand, the complement: OTOF is on the minus strand). VCF-style: chr2-26474581-C-T. GRCh37 (hg19) VCF-style: chr2-26697449-C-T.
Other names: c.3220G>A, p.Glu1074Lys (NM_001287489.2); c.979G>A, p.Glu327Lys (NM_004802.4, NM_194323.3); c.1150G>A, p.Glu384Lys (NM_194322.3); short protein forms E327K, E384K, E1074K.
Identifiers: ClinVar variation 895023 (VCV000895023.11), dbSNP rs768889857, ClinGen allele CA1563627.